The following is an entry in ClinVar:

ClinVar aggregate classification (germline): Uncertain significance (1 of 4 stars; one submission).

gnomAD v4.1: 39 of 1,612,836 alleles (0.0024%); highest among the groups gnomAD compares: South Asian, 0.034%; no homozygotes.

Submission:

Labcorp Genetics (formerly Invitae), Labcorp
Classification: Uncertain significance. Last evaluated: 2024-08-31. Review status: criteria provided, single submitter. Criteria: Invitae Variant Classification Sherloc (09022015). Collection method: clinical testing. Allele origin: germline.
Comment: This sequence change replaces valine, which is neutral and non-polar, with isoleucine, which is neutral and non-polar, at codon 2875 of the LAMA5 protein (p.Val2875Ile). This variant is present in population databases (rs199704088, gnomAD 0.04%). This variant has not been reported in the literature in individuals affected with LAMA5-related conditions. Invitae Evidence Modeling of protein sequence and biophysical properties (such as structural, functional, and spatial information, amino acid conservation, physicochemical variation, residue mobility, and thermodynamic stability) indicates that this missense variant is expected to disrupt LAMA5 protein function with a positive predictive value of 80%. In summary, the available evidence is currently insufficient to determine the role of this variant in disease. Therefore, it has been classified as a Variant of Uncertain Significance.

NM_005560.6(LAMA5):c.8623G>A (p.Val2875Ile)

Gene: LAMA5 (laminin subunit alpha 5; minus strand). Cytogenetic location: 20q13.33.
Variant type: single nucleotide variant.
Coding change: c.8623G>A on transcript NM_005560.6 (MANE Select); coding-DNA position 8623, G replaced by A.
Protein change: p.Val2875Ile; replaces valine 2875 with isoleucine.
Molecular consequence: missense variant.
Genome position (GRCh38, 1-based): chr20:62,313,684, C>T on the plus strand (G>A on the coding strand, the complement: LAMA5 is on the minus strand). VCF-style: chr20-62313684-C-T. GRCh37 (hg19) VCF-style: chr20-60888740-C-T.
Other names: short protein forms V2875I.
Identifiers: ClinVar variation 3681257 (VCV003681257.2).